The following is an entry in ClinVar:

NM_014822.4(SEC24D):c.1678G>A (p.Val560Ile)

Gene: SEC24D (SEC24 homolog D, COPII component; minus strand). Cytogenetic location: 4q26.
Variant type: single nucleotide variant.
Coding change: c.1678G>A on transcript NM_014822.4 (MANE Select); coding-DNA position 1678, G replaced by A.
Protein change: p.Val560Ile; replaces valine 560 with isoleucine.
Molecular consequence: missense variant.
Genome position (GRCh38, 1-based): chr4:118,752,025, C>T on the plus strand (G>A on the coding strand, the complement: SEC24D is on the minus strand). VCF-style: chr4-118752025-C-T. GRCh37 (hg19) VCF-style: chr4-119673180-C-T.
Other names: c.1681G>A, p.Val561Ile (NM_001318066.2); short protein forms V560I, V561I.
Identifiers: ClinVar variation 4770734 (VCV004770734.1).
Genomic context (GRCh38, chr4:118,752,025, plus strand): 5'-TTACTAGCAATTAGAAGTGGCTTCTTCTCACCTTTAGTGCTTCCATGCCAGCCTGGATGA[C>T]AGGAGCAAAGACAGTCTCATTTTCATTAGAGTCTGCAAACATGTCTGGAATCTGGTCCAA-3'
Protein context (NP_055637.2, residues 550-570): SNENETVFAP[Val560Ile]IQAGMEALKA

ClinVar aggregate classification (germline): Uncertain significance (1 of 4 stars; one submission).

Submission:

Labcorp Genetics (formerly Invitae), Labcorp
Classification: Uncertain significance. Last evaluated: 2025-11-12. Review status: criteria provided, single submitter. Criteria: Invitae Variant Classification Sherloc (09022015). Collection method: clinical testing. Allele origin: germline.
Comment: This sequence change replaces valine, which is neutral and non-polar, with isoleucine, which is neutral and non-polar, at codon 560 of the SEC24D protein (p.Val560Ile). This variant is not present in population databases (gnomAD no frequency). This variant has not been reported in the literature in individuals affected with SEC24D-related conditions. An algorithm developed to predict the effect of missense changes on protein structure and function outputs the following: PolyPhen-2: "Benign". The isoleucine amino acid residue is found in multiple mammalian species, which suggests that this missense change does not adversely affect protein function. In summary, the available evidence is currently insufficient to determine the role of this variant in disease. Therefore, it has been classified as a Variant of Uncertain Significance.